The following is an entry in ClinVar:

ClinVar aggregate classification (germline): Uncertain significance (1 of 4 stars; one submission).

gnomAD v4.1: 2 of 1,211,179 alleles (0.00017%); highest among the groups gnomAD compares: Non-Finnish European, 0.00022%; no homozygotes.

Submission:

Women's Health and Genetics/Laboratory Corporation of America, LabCorp
Classification: Uncertain significance. Last evaluated: 2025-06-27. Review status: criteria provided, single submitter. Criteria: LabCorp Variant Classification Summary - May 2015. Collection method: clinical testing. Allele origin: germline.
Comment: Variant summary: F9 c.1320A>C (p.Lys440Asn) results in a non-conservative amino acid change in the encoded protein sequence. Algorithms developed to predict the effect of missense changes on protein structure and function all suggest that this variant is likely to be disruptive. The variant was absent in 182978 control chromosomes (gnomAD). The available data on variant occurrences in the general population are insufficient to allow any conclusion about variant significance. c.1320A>C has been observed in at least one individual affected with Factor IX Deficiency (Hemophilia B) (Giannelli_1994). The report does not provide unequivocal conclusions about association of the variant with Factor IX Deficiency (Hemophilia B). To our knowledge, no experimental evidence demonstrating an impact on protein function has been reported. The following publications have been ascertained in the context of this evaluation (PMID: 7937052, 9450791). No submitters have cited clinical-significance assessments for this variant to ClinVar. Based on the evidence outlined above, the variant was classified as uncertain significance.

Literature cited by the submitters: PubMed 7937052; PubMed 9450791.

NM_000133.4(F9):c.1320A>C (p.Lys440Asn)

Gene: F9 (coagulation factor IX; plus strand). Cytogenetic location: Xq27.1.
Variant type: single nucleotide variant.
Coding change: c.1320A>C on transcript NM_000133.4 (MANE Select); coding-DNA position 1320, A replaced by C.
Protein change: p.Lys440Asn; replaces lysine 440 with asparagine.
Molecular consequence: missense variant.
Genome position (GRCh38, 1-based): chrX:139,562,005, A>C. VCF-style: chrX-139562005-A-C. GRCh37 (hg19) VCF-style: chrX-138644164-A-C.
Other names: c.1206A>C, p.Lys402Asn (NM_001313913.2); short protein forms K402N, K440N.
Identifiers: ClinVar variation 3907141 (VCV003907141.1).
Genomic context (GRCh38, chrX:139,562,005, plus strand): 5'-AGGGACCAGTTTCTTAACTGGAATTATTAGCTGGGGTGAAGAGTGTGCAATGAAAGGCAA[A>C]TATGGAATATATACCAAGGTATCCCGGTATGTCAACTGGATTAAGGAAAAAACAAAGCTC-3'
Protein context (NP_000124.1, residues 430-450): SWGEECAMKG[Lys440Asn]YGIYTKVSRY